The following is an entry in ClinVar:

NM_001365536.1(SCN9A):c.1114C>T (p.Arg372Cys)

Genes: SCN9A (sodium voltage-gated channel alpha subunit 9; minus strand), SCN1A-AS1 (SCN1A and SCN9A antisense RNA 1; plus strand). Cytogenetic location: 2q24.3.
Variant type: single nucleotide variant.
Coding change: c.1114C>T on transcript NM_001365536.1 (MANE Select); coding-DNA position 1114, C replaced by T.
Protein change: p.Arg372Cys; replaces arginine 372 with cysteine.
Molecular consequence: missense variant.
Genome position (GRCh38, 1-based): chr2:166,288,637, G>A on the plus strand (C>T on the coding strand, the complement: SCN9A is on the minus strand). VCF-style: chr2-166288637-G-A. GRCh37 (hg19) VCF-style: chr2-167145147-G-A.
Other names: c.1114C>T, p.Arg372Cys (NM_002977.4); short protein forms R372C.
Identifiers: ClinVar variation 976205 (VCV000976205.6), dbSNP rs1234934110, ClinGen allele CA349086234.

ClinVar aggregate classification (germline): Uncertain significance. Review status: criteria provided, multiple submitters, no conflicts (2 of 4 stars). 3 submissions from 3 submitters: Uncertain significance (3). Last evaluated 2025-05-22.

Conditions:
Neuropathy, hereditary sensory and autonomic, type 2A (HSAN2A). Also called: MORVAN DISEASE; NEUROPATHY, CONGENITAL SENSORY; NEUROPATHY, HEREDITARY SENSORY RADICULAR, AUTOSOMAL RECESSIVE; NEUROPATHY, HEREDITARY SENSORY, TYPE IIA; NEUROPATHY, PROGRESSIVE SENSORY, OF CHILDREN; WNK1-Related HSAN2 (HSAN2A). Identifiers: Orphanet 970, MedGen C2752089, MONDO:0024309, OMIM 201300.
Generalized epilepsy with febrile seizures plus, type 7 (GEFSP7). Also called: GEFS+, TYPE 7. Identifiers: Orphanet 36387, MedGen C2751778, MONDO:0013470, OMIM 613863.
Severe myoclonic epilepsy in infancy (DRVT). Also called: Dravet syndrome; DEVELOPMENTAL AND EPILEPTIC ENCEPHALOPATHY 6A; Epileptic encephalopathy, early infantile, 6 (Dravet syndrome); Severe Myoclonic Epilepsy in Infancy (SMEI); SEVERE MYOCLONIC EPILEPSY OF INFANCY. Identifiers: Orphanet 33069, MedGen C0751122, MONDO:0100135, OMIM 607208.
Inborn genetic diseases. Identifiers: MedGen C0950123, MeSH D030342.

Allele frequency attached by ClinVar (database versions not stated): gnomAD 0.00001; TOPMed 0.00001.
gnomAD v4.1: 3 of 1,582,232 alleles (0.00019%); highest among the groups gnomAD compares: Non-Finnish European, 0.00017%; no homozygotes.

Submissions (3):

Labcorp Genetics (formerly Invitae), Labcorp
Classification: Uncertain significance for Neuropathy, hereditary sensory and autonomic, type 2A; Generalized epilepsy with febrile seizures plus, type 7. Last evaluated: 2025-05-22. Review status: criteria provided, single submitter. Criteria: Invitae Variant Classification Sherloc (09022015). Collection method: clinical testing. Allele origin: germline.
Comment: This sequence change replaces arginine, which is basic and polar, with cysteine, which is neutral and slightly polar, at codon 372 of the SCN9A protein (p.Arg372Cys). This variant is not present in population databases (gnomAD no frequency). This variant has not been reported in the literature in individuals affected with SCN9A-related conditions. ClinVar contains an entry for this variant (Variation ID: 976205). Invitae Evidence Modeling of protein sequence and biophysical properties (such as structural, functional, and spatial information, amino acid conservation, physicochemical variation, residue mobility, and thermodynamic stability) has been performed for this missense variant. However, the output from this modeling did not meet the statistical confidence thresholds required to predict the impact of this variant on SCN9A protein function. In summary, the available evidence is currently insufficient to determine the role of this variant in disease. Therefore, it has been classified as a Variant of Uncertain Significance.

Ambry Genetics
Classification: Uncertain significance for Inborn genetic diseases. Last evaluated: 2023-06-12. Review status: criteria provided, single submitter. Criteria: Ambry Variant Classification Scheme 2023. Collection method: clinical testing. Allele origin: germline.

Institute of Human Genetics, University of Leipzig Medical Center
Classification: Uncertain significance for Severe myoclonic epilepsy in infancy. Last evaluated: 2017-07-25. Review status: criteria provided, single submitter. Criteria: ACMG Guidelines, 2015. Collection method: clinical testing. Allele origin: germline. Affected: yes. Observed: 1 variant allele.